The following is an entry in ClinVar:

NM_005751.5(AKAP9):c.3448C>T (p.Leu1150Phe)

Gene: AKAP9 (A-kinase anchoring protein 9; plus strand). Cytogenetic location: 7q21.2.
Variant type: single nucleotide variant.
Coding change: c.3448C>T on transcript NM_005751.5 (MANE Select); coding-DNA position 3448, C replaced by T.
Protein change: p.Leu1150Phe; replaces leucine 1150 with phenylalanine.
Molecular consequence: missense variant.
Genome position (GRCh38, 1-based): chr7:92,012,558, C>T. VCF-style: chr7-92012558-C-T. GRCh37 (hg19) VCF-style: chr7-91641872-C-T.
Other names: c.3448C>T, p.Leu1150Phe (NM_147185.3); c.3448C>T (NM_005751.4); short protein forms L1150F.
Identifiers: ClinVar variation 1412647 (VCV001412647.18), dbSNP rs750350575, ClinGen allele CA4336309.
Genomic context (GRCh38, chr7:92,012,558, plus strand): 5'-CAGGTTCGTGAATATATGGAAAATGAAAAAGATAAAGCTCTTTGCAGTCTTAAAGAAGAG[C>T]TTATTTTTGCTCAAGAGGAAAAGATCAAGGAACTTCAGAAAATACACCAGTTAGAACTAC-3'
Protein context (NP_005742.4, residues 1140-1160): DKALCSLKEE[Leu1150Phe]IFAQEEKIKE

ClinVar aggregate classification (germline): Conflicting classifications of pathogenicity. Review status: criteria provided, conflicting classifications (1 of 4 stars). 4 submissions from 4 submitters: Uncertain significance (3); Benign (1). Last evaluated 2024-01-26.

Conditions:
Long QT syndrome 11 (LQT11). Identifiers: Orphanet 101016, Orphanet 768, MedGen C2678483, MONDO:0012738, OMIM 611820.
Long QT syndrome (LQTS). Identifiers: MedGen C0023976, MeSH D008133, MONDO:0002442. Disease mechanism: loss of function. Inheritance: Various modes of inheritance.
Primary dilated cardiomyopathy (DCM). Also called: Dilated Cardiomyopathy. Identifiers: Orphanet 217604, MedGen C0007193, MeSH D002311, MONDO:0005021, HP:0001644. Inheritance: Various modes of inheritance.
Cardiovascular phenotype. Identifiers: MedGen CN230736.

Allele frequency attached by ClinVar (database versions not stated): gnomAD 0.00001; gnomAD exomes 0.00001 and 0.00013; TOPMed 0.00006; ExAC 0.00013.
gnomAD v4.1: 23 of 1,613,648 alleles (0.0014%); highest among the groups gnomAD compares: East Asian, 0.047%; no homozygotes.

Submissions (4):

Labcorp Genetics (formerly Invitae), Labcorp
Classification: Uncertain significance for Long QT syndrome. Last evaluated: 2024-01-26. Review status: criteria provided, single submitter. Criteria: Invitae Variant Classification Sherloc (09022015). Collection method: clinical testing. Allele origin: germline.
Comment: This sequence change replaces leucine, which is neutral and non-polar, with phenylalanine, which is neutral and non-polar, at codon 1150 of the AKAP9 protein (p.Leu1150Phe). This variant is present in population databases (rs750350575, gnomAD 0.2%), and has an allele count higher than expected for a pathogenic variant. This missense change has been observed in individual(s) with clinical features of long QT syndrome (PMID: 31418098). ClinVar contains an entry for this variant (Variation ID: 1412647). An algorithm developed to predict the effect of missense changes on protein structure and function (PolyPhen-2) suggests that this variant is likely to be disruptive. In summary, the available evidence is currently insufficient to determine the role of this variant in disease. Therefore, it has been classified as a Variant of Uncertain Significance.

Clinical Center for Gene Diagnosis and Therapy, Department of Cardiovascular Surgery, The Second Xiangya Hospital of Central South University
Classification: Uncertain significance for Primary dilated cardiomyopathy. Last evaluated: 2023-06-01. Review status: criteria provided, single submitter. Criteria: ACMG Guidelines, 2015. Collection method: clinical testing. Allele origin: germline. Affected: yes.

Ambry Genetics
Classification: Benign for Cardiovascular phenotype. Last evaluated: 2022-11-04. Review status: criteria provided, single submitter. Criteria: Ambry Variant Classification Scheme 2023. Collection method: clinical testing. Allele origin: germline.

Fulgent Genetics
Classification: Uncertain significance for Long QT syndrome 11. Last evaluated: 2021-10-21. Review status: criteria provided, single submitter. Criteria: ACMG Guidelines, 2015. Collection method: clinical testing. Allele origin: unknown.

Literature cited by the submitters: PubMed 31418098 (cited by Labcorp Genetics (formerly Invitae), Labcorp).